The following is an entry in ClinVar:

NM_001369.3(DNAH5):c.1204_1207delinsCATCTGTGA (p.Asn402_Gln403delinsHisLeuTer)

Gene: DNAH5 (dynein axonemal heavy chain 5; minus strand). Cytogenetic location: 5p15.2.
Variant type: Indel.
Coding change: c.1204_1207delinsCATCTGTGA on transcript NM_001369.3 (MANE Select); coding-DNA positions 1204 to 1207, AATC replaced by CATCTGTGA.
Protein change: p.Asn402_Gln403delinsHisLeuTer.
Molecular consequence: nonsense.
Genome position (GRCh38, 1-based): chr5:13,914,633-13,914,636, GATT replaced by TCACAGATG on the plus strand (AATC replaced by CATCTGTGA on the coding strand, the reverse complement: DNAH5 is on the minus strand). VCF-style: chr5-13914633-GATT-TCACAGATG. GRCh37 (hg19) VCF-style: chr5-13914742-GATT-TCACAGATG.
Identifiers: ClinVar variation 5010375 (VCV005010375.1).

ClinVar aggregate classification (germline): Pathogenic (1 of 4 stars; one submission).

Conditions:
Primary ciliary dyskinesia 3. Identifiers: Orphanet 244, MedGen C1837618, MONDO:0012085, OMIM 608644.

Submission:

Myriad Genetics, Inc.
Classification: Pathogenic for Primary ciliary dyskinesia 3. Last evaluated: 2024-05-14. Review status: criteria provided, single submitter. Criteria: Myriad Autosomal Dominant, Autosomal Recessive and X-Linked Classification Criteria (2023). Collection method: clinical testing. Allele origin: unknown.
Comment: NM_001369.2(DNAH5):c.1204_1207del4ins9(N402Hfs*3) is expected to be pathogenic in the context of primary ciliary dyskinesia, DNAH5-related. This variant is predicted to lead to an abnormal or absent protein product due to the creation of a premature termination codon in DNAH5, a gene where loss-of-function variants are known to be pathogenic. Please note: this variant was assessed in the context of healthy population screening.